The following is an entry in ClinVar:

Conditions:
Breast-ovarian cancer, familial, susceptibility to, 1 (BROVCA1). Also called: BRCA1 Hereditary Breast and Ovarian Cancer; OVARIAN CANCER, SUSCEPTIBILITY TO. Identifiers: Orphanet 145, MedGen C2676676, MONDO:0011450, OMIM 604370. Disease mechanism: loss of function.

Submission:

Brotman Baty Institute, University of Washington
No classification provided (evidence only). Condition: Breast-ovarian cancer, familial 1. Review status: no classification provided. Collection method: in vitro. Allele origin: not applicable. Functional consequence: functionally_normal.
ClinVar note: "not provided" was previously submitted as the classification for the variant. However, the classification appeared to be based only on an observation of functional data so it was converted to no classification on 2025-07-30.

NM_007294.4(BRCA1):c.5374G>T (p.Val1792Leu)

Gene: BRCA1 (BRCA1 DNA repair associated; minus strand). Cytogenetic location: 17q21.31.
Variant type: single nucleotide variant.
Coding change: c.5374G>T on transcript NM_007294.4 (MANE Select); coding-DNA position 5374, G replaced by T.
Protein change: p.Val1792Leu; replaces valine 1792 with leucine.
Molecular consequence: missense variant. On other transcripts: non-coding transcript variant (1), intron variant (1).
Genome position (GRCh38, 1-based): chr17:43,049,153, C>A on the plus strand (G>T on the coding strand, the complement: BRCA1 is on the minus strand). VCF-style: chr17-43049153-C-A. GRCh37 (hg19) VCF-style: chr17-41201170-C-A.
Other names: c.5161G>T, p.Val1721Leu (NM_001407571.1, NM_001407906.1, NM_001407907.1 and 12 more transcripts); c.5440G>T, p.Val1814Leu (NM_001407581.1, NM_001407582.1); c.5437G>T, p.Val1813Leu (NM_001407583.1, NM_001407585.1, NM_001407587.1 and 1 more transcripts); c.5434G>T, p.Val1812Leu (NM_001407590.1, NM_001407591.1); c.5374G>T, p.Val1792Leu (NM_001407593.1, NM_001407594.1, NM_001407596.1 and 5 more transcripts); c.5371G>T, p.Val1791Leu (NM_001407610.1, NM_001407611.1, NM_001407612.1 and 14 more transcripts); c.5368G>T, p.Val1790Leu (NM_001407627.1, NM_001407628.1, NM_001407629.1 and 13 more transcripts); c.5362G>T, p.Val1788Leu (NM_001407646.1); and 73 more; short protein forms V1745L, V688L, V1792L, V1813L, V1665L, V1680L, V1681L, V1702L.
Identifiers: ClinVar variation 868388 (VCV000868388.3), dbSNP rs1555575131, ClinGen allele CA10590723.
Genomic context (GRCh38, chr17:43,049,153, plus strand): 5'-CCTCTCTGACAGGGCACCCAATACTTACTGTGCCAAGGGTGAATGATGAAAGCTCCTTCA[C>A]CACAGAAGCACCACACAGCTGTACCATCCATTCCAGTTGATCTAAAATGGACATTTAGAT-3'
Protein context (NP_009225.1, residues 1782-1802): WMVQLCGASV[Val1792Leu]KELSSFTLGT